The following is an entry in ClinVar:

ClinVar aggregate classification (germline): Pathogenic (1 of 4 stars; one submission).

Conditions:
Familial adenomatous polyposis 1 (FAP1). Also called: FAMILIAL ADENOMATOUS POLYPOSIS 1, ATTENUATED; POLYPOSIS, ADENOMATOUS INTESTINAL. Identifiers: MedGen C2713442, MONDO:0021056, OMIM 175100. Disease mechanism: loss of function.

Submission:

Myriad Genetics, Inc.
Classification: Pathogenic for Familial adenomatous polyposis 1. Last evaluated: 2023-05-12. Review status: criteria provided, single submitter. Criteria: Myriad Autosomal Dominant, Autosomal Recessive and X-Linked Classification Criteria (2023). Collection method: clinical testing. Allele origin: unknown.
Comment: This variant is considered pathogenic. This variant creates a termination codon and is predicted to result in premature protein truncation.

NM_000038.6(APC):c.5570C>G (p.Ser1857Ter)

Gene: APC (APC regulator of Wnt signaling pathway; plus strand). Cytogenetic location: 5q22.2.
Variant type: single nucleotide variant.
Coding change: c.5570C>G on transcript NM_000038.6 (MANE Select); coding-DNA position 5570, C replaced by G.
Protein change: p.Ser1857Ter; replaces serine 1857 with a stop codon.
Molecular consequence: nonsense. On other transcripts: non-coding transcript variant (2).
Genome position (GRCh38, 1-based): chr5:112,841,164, C>G. VCF-style: chr5-112841164-C-G. GRCh37 (hg19) VCF-style: chr5-112176861-C-G.
Other names: c.5570C>G, p.Ser1857Ter (NM_001127510.3, NM_001354895.2, NM_001407450.1); c.5516C>G, p.Ser1839Ter (NM_001127511.3); c.5624C>G, p.Ser1875Ter (NM_001354896.2, NM_001407447.1, NM_001407448.1 and 1 more transcripts); c.5600C>G, p.Ser1867Ter (NM_001354897.2); c.5495C>G, p.Ser1832Ter (NM_001354898.2); c.5486C>G, p.Ser1829Ter (NM_001354899.2); c.5447C>G, p.Ser1816Ter (NM_001354900.2); c.5393C>G, p.Ser1798Ter (NM_001354901.2, NM_001407453.1); and 11 more; short protein forms S1473*, S1574*, S1697*, S1728*, S1731*, S1756*, S1766*, S1774*.
Identifiers: ClinVar variation 2583912 (VCV002583912.2), dbSNP rs1561601114, ClinGen allele CA16033522.
Genomic context (GRCh38, chr5:112,841,164, plus strand): 5'-GTTTTGCTTTTGATTCACCTCATCATTACACGCCTATTGAAGGAACTCCTTACTGTTTTT[C>G]ACGAAATGATTCTTTGAGTTCTCTAGATTTTGATGATGATGATGTTGACCTTTCCAGGGA-3'